The following is an entry in ClinVar:

ClinVar aggregate classification (germline): Benign (1 of 4 stars; one submission).

Allele frequency attached by ClinVar (database versions not stated): TOPMed 0.00061; ExAC 0.00067; gnomAD exomes 0.00070; gnomAD 0.00071.

Submission:

CeGaT Center for Human Genetics Tuebingen
Classification: Benign. Last evaluated: 2022-10-01. Review status: criteria provided, single submitter. Criteria: CeGaT Center For Human Genetics Tuebingen Variant Classification Criteria Version 2. Collection method: clinical testing. Allele origin: germline. Affected: yes. Observed: 1 variant allele.
Comment: TPM2: BS1, BS2

NM_213674.1(TPM2):c.773-719G>A

Gene: TPM2 (tropomyosin 2; minus strand). Cytogenetic location: 9p13.3.
Variant type: single nucleotide variant.
Coding change: c.773-719G>A on transcript NM_213674.1; 719 bases into the intron before coding-DNA position 773, G replaced by A.
Molecular consequence: intron variant.
Genome position (GRCh38, 1-based): chr9:35,682,882, C>T on the plus strand (G>A on the coding strand, the complement: TPM2 is on the minus strand). VCF-style: chr9-35682882-C-T. GRCh37 (hg19) VCF-style: chr9-35682879-C-T.
Other names: c.773-719G>A (NM_001301226.2).
Identifiers: ClinVar variation 1879734 (VCV001879734.26), dbSNP rs776727318, ClinGen allele CA5047130.
Genomic context (GRCh38, chr9:35,682,882, plus strand): 5'-CTCAGTGCAGGGGCTGGGGGTGTCAGTAAGTGCCAGGGTGTCAGGAGTGAACCAGTGCTC[C>T]GTGGTGGCGATAGAGGTGCTCTCTGGAGGGCAGGAAAACAGCATGGAGACCAAGTTCAGA-3'